The following is an entry in ClinVar:

ClinVar aggregate classification (germline): Uncertain significance (1 of 4 stars; one submission).

Conditions:
Short-rib thoracic dysplasia 10 with or without polydactyly (SRTD10). Identifiers: Orphanet 474, MedGen C3810175, MONDO:0014284, OMIM 615630.
Retinitis pigmentosa 71 (RP71). Identifiers: Orphanet 791, MedGen C4225342, MONDO:0014618, OMIM 616394.

Submission:

Labcorp Genetics (formerly Invitae), Labcorp
Classification: Uncertain significance for Retinitis pigmentosa 71; Short-rib thoracic dysplasia 10 with or without polydactyly. Last evaluated: 2022-09-13. Review status: criteria provided, single submitter. Criteria: Invitae Variant Classification Sherloc (09022015). Collection method: clinical testing. Allele origin: germline.
Comment: This sequence change replaces threonine, which is neutral and polar, with arginine, which is basic and polar, at codon 520 of the IFT172 protein (p.Thr520Arg). This variant is not present in population databases (gnomAD no frequency). This variant has not been reported in the literature in individuals affected with IFT172-related conditions. Advanced modeling of protein sequence and biophysical properties (such as structural, functional, and spatial information, amino acid conservation, physicochemical variation, residue mobility, and thermodynamic stability) performed at Invitae indicates that this missense variant is not expected to disrupt IFT172 protein function. In summary, the available evidence is currently insufficient to determine the role of this variant in disease. Therefore, it has been classified as a Variant of Uncertain Significance.

NM_015662.3(IFT172):c.1559C>G (p.Thr520Arg)

Gene: IFT172 (intraflagellar transport 172; minus strand). Cytogenetic location: 2p23.3.
Variant type: single nucleotide variant.
Coding change: c.1559C>G on transcript NM_015662.3 (MANE Select); coding-DNA position 1559, C replaced by G.
Protein change: p.Thr520Arg; replaces threonine 520 with arginine.
Molecular consequence: missense variant.
Genome position (GRCh38, 1-based): chr2:27,471,061, G>C on the plus strand (C>G on the coding strand, the complement: IFT172 is on the minus strand). VCF-style: chr2-27471061-G-C. GRCh37 (hg19) VCF-style: chr2-27693928-G-C.
Other names: short protein forms T520R.
Identifiers: ClinVar variation 2008059 (VCV002008059.1), dbSNP rs746692750, ClinGen allele CA346390493.
Genomic context (GRCh38, chr2:27,471,061, plus strand): 5'-GCTACCAGCACGTCACTTCCTGGGACCCACTGCATATAGGAGCAGAAGTTGAGGATCATT[G>C]TCTTAGAGCAGCTTTCAATATCATACAGATGCAACTGAAGAAAGAAAAGGCAGGTAACAC-3'
Protein context (NP_056477.1, residues 510-530): HLYDIESCSK[Thr520Arg]MILNFCSYMQ